The following is an entry in ClinVar:

ClinVar aggregate classification (germline): Pathogenic (1 of 4 stars; one submission).

Conditions:
Odonto-onycho-dermal dysplasia. Identifiers: Orphanet 2721, MedGen C0796093, MONDO:0009773, OMIM 257980.
Tooth agenesis, selective, 4 (STHAG4). Also called: LATERAL INCISORS, ABSENCE OF; LATERAL INCISORS, PEGGED OR MISSING; SUCCEDANEOUS TEETH, AGENESIS OF; TOOTH AGENESIS, SELECTIVE, 4, WITH OR WITHOUT ECTODERMAL DYSPLASIA. Identifiers: Orphanet 99798, MedGen C1835492, MONDO:0007881, OMIM 150400. Disease mechanism: loss of function.

Submission:

Labcorp Genetics (formerly Invitae), Labcorp
Classification: Pathogenic for Tooth agenesis, selective, 4; Odonto-onycho-dermal dysplasia. Last evaluated: 2023-03-16. Review status: criteria provided, single submitter. Criteria: Invitae Variant Classification Sherloc (09022015). Collection method: clinical testing. Allele origin: germline.
Comment: For these reasons, this variant has been classified as Pathogenic. This premature translational stop signal has been observed in individual(s) with WNT10A-related conditions (PMID: 34593752). This variant is not present in population databases (gnomAD no frequency). This sequence change creates a premature translational stop signal (p.Met36Cysfs*10) in the WNT10A gene. It is expected to result in an absent or disrupted protein product. Loss-of-function variants in WNT10A are known to be pathogenic (PMID: 17847007, 22581971, 25629078).

Literature cited by the submitters: PubMed 34593752; PubMed 17847007; PubMed 22581971; PubMed 25629078.

NM_025216.3(WNT10A):c.99_105dup (p.Met36fs)

Gene: WNT10A (Wnt family member 10A; plus strand). Cytogenetic location: 2q35.
Variant type: Duplication.
Coding change: c.99_105dup on transcript NM_025216.3 (MANE Select); coding-DNA positions 99 to 105, 7 bases duplicated (TGCTGCC; older notation c.99_105dupTGCTGCC).
Protein change: p.Met36fs; shifts the reading frame from methionine 36.
Molecular consequence: frameshift variant.
Genome position (GRCh38, 1-based): chr2:218,881,094-218,881,100, TGCTGCC duplicated; duplicating any 7 consecutive bases within chr2:218,881,093-218,881,100 gives the same sequence; the c. name uses the placement nearest the transcript's 3' end. VCF-style (leftmost placement, unchanged base first): chr2-218881092-G-GCTGCTGC. GRCh37 (hg19) VCF-style: chr2-219745814-G-GCTGCTGC.
Other names: short protein forms M36fs.
Identifiers: ClinVar variation 2940359 (VCV002940359.3), dbSNP rs2470301479, ClinGen allele CA2586971289.